The following is an entry in ClinVar:

NM_001384950.1(NLRC5):c.3203+100G>C

Gene: NLRC5 (NLR family CARD domain containing 5; plus strand). Cytogenetic location: 16q13.
Variant type: single nucleotide variant.
Coding change: c.3203+100G>C on transcript NM_001384950.1 (MANE Select); 100 bases into the intron after coding-DNA position 3203, G replaced by C.
Molecular consequence: intron variant.
Genome position (GRCh38, 1-based): chr16:57,043,704, G>C. VCF-style: chr16-57043704-G-C. GRCh37 (hg19) VCF-style: chr16-57077616-G-C.
Other names: c.3203+100G>C (NM_001384954.1, NM_001384953.1, NM_001384957.1 and 19 more transcripts); c.3119+100G>C (NM_001384960.1, NM_001384965.1); c.2963+100G>C (NM_001384972.1).
Identifiers: ClinVar variation 103173 (VCV000103173.2), dbSNP rs199475990, ClinGen allele CA230219.
Genomic context (GRCh38, chr16:57,043,704, plus strand): 5'-CCATCCCACAGGTCATCTGCTCCCACGTGGGCCCCTTGTCCACCAGTTTCATGCCAACCT[G>C]TCATCCTCAGCACCTTGGGCAGTACCAGATCTGCAGAGCATGTGATGGGCGTCCACTGAA-3'

ClinVar aggregate classification (germline): not provided (0 of 4 stars; one submission).

Allele frequency attached by ClinVar (database versions not stated): 1000 Genomes Project 30x 0.00016; gnomAD 0.00016; 1000 Genomes Project 0.00020; TOPMed 0.00020.
gnomAD v4.1: 141 of 895,608 alleles (0.016%); highest among the groups gnomAD compares: East Asian, 0.11%; 1 homozygote.

Submission:

Human Evolutionary Genetics, Institut Pasteur
No classification provided. Review status: no classification provided. Collection method: not provided. Allele origin: germline.
ClinVar note: Converted during submission from untested to not provided.